The following is an entry in ClinVar:

NM_001365276.2(TNXB):c.1205G>A (p.Arg402His)

Gene: TNXB (tenascin XB; minus strand). Cytogenetic location: 6p21.33.
Variant type: single nucleotide variant.
Coding change: c.1205G>A on transcript NM_001365276.2 (MANE Select); coding-DNA position 1205, G replaced by A.
Protein change: p.Arg402His; replaces arginine 402 with histidine.
Molecular consequence: missense variant.
Genome position (GRCh38, 1-based): chr6:32,096,648, C>T on the plus strand (G>A on the coding strand, the complement: TNXB is on the minus strand). VCF-style: chr6-32096648-C-T. GRCh37 (hg19) VCF-style: chr6-32064425-C-T.
Other names: c.1205G>A, p.Arg402His (NM_019105.8); short protein forms R402H.
Identifiers: ClinVar variation 1200260 (VCV001200260.11), dbSNP rs760374196, ClinGen allele CA3735718.

ClinVar aggregate classification (germline): Uncertain significance. Review status: criteria provided, multiple submitters, no conflicts (2 of 4 stars). 4 submissions from 4 submitters: Uncertain significance (4). Last evaluated 2026-02-19.

Conditions:
Cardiovascular phenotype. Identifiers: MedGen CN230736.
TNXB-related disorder. Also called: TNXB-related condition.

Allele frequency attached by ClinVar (database versions not stated): gnomAD exomes 0.00001 and 0.00008; gnomAD 0.00006 and 0.00007.
gnomAD v4.1: 129 of 1,544,840 alleles (0.0084%); highest among the groups gnomAD compares: Non-Finnish European, 0.01%; no homozygotes.

Submissions (4):

Women's Health and Genetics/Laboratory Corporation of America, LabCorp
Classification: Uncertain significance. Last evaluated: 2026-02-19. Review status: criteria provided, single submitter. Criteria: LabCorp Variant Classification Summary - May 2015. Collection method: clinical testing. Allele origin: germline.
Comment: Variant summary: TNXB c.1205G>A (p.Arg402His) results in a non-conservative amino acid change in the encoded protein sequence. Algorithms developed to predict the effect of missense changes on protein structure and function are either unavailable or do not agree on the potential impact of this missense change. The variant allele was found at a frequency of 1.5e-05 in 137698 control chromosomes. The available data on variant occurrences in the general population are insufficient to allow any conclusion about variant significance. To our knowledge, no occurrence of c.1205G>A in individuals affected with TNXB-related conditions and no experimental evidence demonstrating its impact on protein function have been reported. ClinVar contains an entry for this variant (Variation ID: 1200260). Based on the evidence outlined above, the variant was classified as uncertain significance.

Ambry Genetics
Classification: Uncertain significance for Cardiovascular phenotype. Last evaluated: 2025-04-29. Review status: criteria provided, single submitter. Criteria: Ambry Variant Classification Scheme 2023. Collection method: clinical testing. Allele origin: germline.

GeneDx
Classification: Uncertain significance. Last evaluated: 2025-04-24. Review status: criteria provided, single submitter. Criteria: GeneDx Variant Classification Process June 2021. Collection method: clinical testing. Allele origin: germline. Affected: yes.
Comment: Has not been previously published as pathogenic or benign to our knowledge; In silico analysis supports that this missense variant has a deleterious effect on protein structure/function

PreventionGenetics, part of Exact Sciences
Classification: Uncertain significance for TNXB-related condition. Last evaluated: 2025-03-21. Review status: criteria provided, single submitter. Criteria: ACMG Guidelines, 2015. Collection method: clinical testing. Allele origin: germline.
Comment: The TNXB c.1205G>A variant is predicted to result in the amino acid substitution p.Arg402His. To our knowledge, this variant has not been reported in the literature. This variant is reported in 0.0066% of alleles in individuals of African descent in gnomAD. At this time, the clinical significance of this variant is uncertain due to the absence of conclusive functional and genetic evidence.